The following is an entry in ClinVar:

NM_006118.4(HAX1):c.697G>A (p.Glu233Lys)

Gene: HAX1 (HCLS1 associated protein X-1; plus strand). Cytogenetic location: 1q21.3.
Variant type: single nucleotide variant.
Coding change: c.697G>A on transcript NM_006118.4 (MANE Select); coding-DNA position 697, G replaced by A.
Protein change: p.Glu233Lys; replaces glutamic acid 233 with lysine.
Molecular consequence: missense variant.
Genome position (GRCh38, 1-based): chr1:154,275,426, G>A. VCF-style: chr1-154275426-G-A. GRCh37 (hg19) VCF-style: chr1-154247902-G-A.
Other names: c.553G>A, p.Glu185Lys (NM_001018837.2); short protein forms E185K, E233K.
Identifiers: ClinVar variation 4858280 (VCV004858280.1).

ClinVar aggregate classification (germline): Uncertain significance (1 of 4 stars; one submission).

Conditions:
Inborn genetic diseases. Identifiers: MedGen C0950123, MeSH D030342.

Submission:

Ambry Genetics
Classification: Uncertain significance for Inborn genetic diseases. Last evaluated: 2026-05-14. Review status: criteria provided, single submitter. Criteria: Ambry Variant Classification Scheme 2023. Collection method: clinical testing. Allele origin: germline.
Comment: The p.E233K variant (also known as c.697G>A), located in coding exon 6 of the HAX1 gene, results from a G to A substitution at nucleotide position 697. The glutamic acid at codon 233 is replaced by lysine, an amino acid with similar properties. This amino acid position is conserved. In addition, this alteration is predicted to be tolerated by in silico analysis. Based on the available evidence, the clinical significance of this variant remains unclear.